The following is an entry in ClinVar:

ClinVar aggregate classification (germline): Uncertain significance (1 of 4 stars; one submission).

Conditions:
Inborn genetic diseases. Identifiers: MedGen C0950123, MeSH D030342.

Submission:

Ambry Genetics
Classification: Uncertain significance for Inborn genetic diseases. Last evaluated: 2025-04-09. Review status: criteria provided, single submitter. Criteria: Ambry Variant Classification Scheme 2023. Collection method: clinical testing. Allele origin: germline.
Comment: The c.-15-2A>T intronic variant results from an A to T substitution two nucleotides before exon 2 (coding exon 1) of the SETD1A gene. Alterations that disrupt the canonical splice site are expected to result in aberrant splicing. The resulting transcript is predicted to delete a portion of the 5' untranslated region (5'UTR), although direct evidence is unavailable. The exact functional effect of this alteration is unknown. This variant was not reported in population-based cohorts in the Genome Aggregation Database (gnomAD). This nucleotide position is well conserved in available vertebrate species. In silico splice site analysis predicts that this alteration will weaken the native splice acceptor site and will result in the creation or strengthening of a novel splice acceptor site. Based on insufficient or conflicting evidence, the clinical significance of this alteration remains unclear.

NM_014712.3(SETD1A):c.-15-2A>T

Gene: SETD1A (SET domain containing 1A, histone lysine methyltransferase; plus strand). Cytogenetic location: 16p11.2.
Variant type: single nucleotide variant.
Coding change: c.-15-2A>T on transcript NM_014712.3 (MANE Select); the canonical splice acceptor site of the intron before 15 bases upstream of the start codon, A replaced by T.
Molecular consequence: splice acceptor variant.
Genome position (GRCh38, 1-based): chr16:30,958,715, A>T. VCF-style: chr16-30958715-A-T. GRCh37 (hg19) VCF-style: chr16-30970036-A-T.
Identifiers: ClinVar variation 3952796 (VCV003952796.1).